The following is an entry in ClinVar:

ClinVar aggregate classification (germline): Pathogenic (1 of 4 stars; one submission).

Conditions:
Tuberous sclerosis 2 (TSC2). Identifiers: Orphanet 805, MedGen C1860707, MONDO:0013199, OMIM 613254.

Submission:

Labcorp Genetics (formerly Invitae), Labcorp
Classification: Pathogenic for Tuberous sclerosis 2. Last evaluated: 2020-02-27. Review status: criteria provided, single submitter. Criteria: Invitae Variant Classification Sherloc (09022015). Collection method: clinical testing. Allele origin: germline.
Comment: This sequence change creates a premature translational stop signal (p.Glu1692Aspfs*4) in the TSC2 gene. It is expected to result in an absent or disrupted protein product. This variant is not present in population databases (ExAC no frequency). This variant has been observed in individual(s) affected with clinical features of tuberous sclerosis complex (Invitae). Loss-of-function variants in TSC2 are known to be pathogenic (PMID: 10205261, 17304050). For these reasons, this variant has been classified as Pathogenic.

Literature cited by the submitters: PubMed 10205261; PubMed 17304050.

NM_000548.5(TSC2):c.5076_5104del (p.Glu1692fs)

Gene: TSC2 (TSC complex subunit 2; plus strand). Cytogenetic location: 16p13.3.
Variant type: Deletion.
Coding change: c.5076_5104del on transcript NM_000548.5 (MANE Select); coding-DNA positions 5076 to 5104, 29 bases deleted (GGGCCTTGTGGACACCAGCGTGGCCAAGA).
Protein change: p.Glu1692fs; shifts the reading frame from glutamic acid 1692.
Molecular consequence: frameshift variant.
Genome position (GRCh38, 1-based): chr16:2,088,055-2,088,083, GGGCCTTGTGGACACCAGCGTGGCCAAGA deleted; deleting any 29 consecutive bases within chr16:2,088,053-2,088,083 gives the same sequence; the c. name uses the placement nearest the transcript's 3' end. VCF-style (leftmost placement, unchanged base first): chr16-2088052-GGAGGGCCTTGTGGACACCAGCGTGGCCAA-G. GRCh37 (hg19) VCF-style: chr16-2138053-GGAGGGCCTTGTGGACACCAGCGTGGCCAA-G.
Other names: c.4875_4903del, p.Glu1625fs (NM_001077183.3); c.5007_5035del, p.Glu1669fs (NM_001114382.3); c.4767_4795del, p.Glu1589fs (NM_001318827.2); c.4731_4759del, p.Glu1577fs (NM_001318829.2); c.4344_4372del, p.Glu1448fs (NM_001318831.2); c.4908_4936del, p.Glu1636fs (NM_001318832.2); c.4878_4906del, p.Glu1626fs (NM_001363528.2); c.4944_4972del, p.Glu1648fs (NM_001370404.1); and 1 more; short protein forms E1448fs, E1577fs, E1589fs, E1625fs, E1626fs, E1636fs, E1648fs, E1649fs.
Identifiers: ClinVar variation 1074348 (VCV001074348.9), dbSNP rs2151619821, ClinGen allele CA2499223351.
Genomic context (GRCh38, chr16:2,088,052, plus strand): 5'-CCCTGCAGTGTGGCGCCAAGAGCCCTGGGCCTGGCGTGACCACCAAGTCTCCCCAGACAT[GGAGGGCCTTGTGGACACCAGCGTGGCCAA>G]GATCGTGTCTGACCGCAACCTGCCCTTCGTGGCCCGCCAGATGGCCCTGCACGCAAATGT-3'